The following is an entry in ClinVar:

ClinVar aggregate classification (germline): Pathogenic (1 of 4 stars; one submission).

Submission:

GeneDx
Classification: Pathogenic. Last evaluated: 2019-07-26. Review status: criteria provided, single submitter. Criteria: GeneDx Variant Classification Process June 2021. Collection method: clinical testing. Allele origin: germline. Affected: yes.
Comment: Located in the anti-codon loop and is a part of the anti-codon triplet that pairs with its respective mRNA codon. A nucleotide substitution at this position could result in an incorrect amino acid being added to the tRNA molecule and eventually to the protein; however, there is another MT-tRNA that also recognizes this same amino acid Located in a region intolerant to change [insert or replace with variant/gene specific information]; Not observed in large population cohorts (Lek et al., 2016); In silico analysis, which includes protein predictors and evolutionary conservation, supports a deleterious effect; Has not been previously published as pathogenic or benign to our knowledge

NM_000088.4(COL1A1):c.2120G>A (p.Gly707Asp)

Gene: COL1A1 (collagen type I alpha 1 chain; minus strand). Cytogenetic location: 17q21.33.
Variant type: single nucleotide variant.
Coding change: c.2120G>A on transcript NM_000088.4 (MANE Select); coding-DNA position 2120, G replaced by A.
Protein change: p.Gly707Asp; replaces glycine 707 with aspartic acid.
Molecular consequence: missense variant.
Genome position (GRCh38, 1-based): chr17:50,191,795, C>T on the plus strand (G>A on the coding strand, the complement: COL1A1 is on the minus strand). VCF-style: chr17-50191795-C-T. GRCh37 (hg19) VCF-style: chr17-48269156-C-T.
Other names: short protein forms G707D.
Identifiers: ClinVar variation 1204031 (VCV001204031.3), dbSNP rs1420427521, ClinGen allele CA400211579.
Genomic context (GRCh38, chr17:50,191,795, plus strand): 5'-GTGAGACCTGGTCCCTGGGCCACTTGCCAGAGCCCCTTCCACGCTGCCCTCACCTTAGCA[C>T]CATCGTTGCCGGGAGCACCGTTGGCCCCTCGGGGACCAGCAGGACCAGGGGGACCTTGCA-3'
Protein context (NP_000079.2, residues 697-717): RGANGAPGND[Gly707Asp]AKGDAGAPGA